The following is an entry in ClinVar:

ClinVar aggregate classification (germline): Uncertain significance (1 of 4 stars; one submission).

Conditions:
Deficiency of 2-methylbutyryl-CoA dehydrogenase (ACADSB). Also called: 2-methylbutyryl-CoA dehydrogenase deficiency; SBCAD deficiency; 2-methylbutyric aciduria; Short branched-chain acyl-CoA dehydrogenase deficiency; 2-methylbutyrylglycinuria. Identifiers: Orphanet 79157, MedGen C1864912, MONDO:0012392, OMIM 610006, HP:0020147.

Allele frequency attached by ClinVar (database versions not stated): gnomAD exomes below 0.00001; TOPMed below 0.00001.
gnomAD v4.1: 3 of 1,613,890 alleles (0.00019%); highest among the groups gnomAD compares: Middle Eastern, 0.016%; no homozygotes.

Submission:

Labcorp Genetics (formerly Invitae), Labcorp
Classification: Uncertain significance for Deficiency of 2-methylbutyryl-CoA dehydrogenase. Last evaluated: 2022-07-30. Review status: criteria provided, single submitter. Criteria: Invitae Variant Classification Sherloc (09022015). Collection method: clinical testing. Allele origin: germline.
Comment: This sequence change replaces lysine, which is basic and polar, with glutamic acid, which is acidic and polar, at codon 27 of the ACADSB protein (p.Lys27Glu). This variant is not present in population databases (gnomAD no frequency). This variant has not been reported in the literature in individuals affected with ACADSB-related conditions. Algorithms developed to predict the effect of missense changes on protein structure and function are either unavailable or do not agree on the potential impact of this missense change (SIFT: "Deleterious"; PolyPhen-2: "Benign"; Align-GVGD: "Class C0"). In summary, the available evidence is currently insufficient to determine the role of this variant in disease. Therefore, it has been classified as a Variant of Uncertain Significance.

NM_001609.4(ACADSB):c.79A>G (p.Lys27Glu)

Gene: ACADSB (acyl-CoA dehydrogenase short/branched chain; plus strand). Cytogenetic location: 10q26.13.
Variant type: single nucleotide variant.
Coding change: c.79A>G on transcript NM_001609.4 (MANE Select); coding-DNA position 79, A replaced by G.
Protein change: p.Lys27Glu; replaces lysine 27 with glutamic acid.
Molecular consequence: missense variant. On other transcripts: 5 prime UTR variant (1).
Genome position (GRCh38, 1-based): chr10:123,034,392, A>G. VCF-style: chr10-123034392-A-G. GRCh37 (hg19) VCF-style: chr10-124793908-A-G.
Other names: c.-127A>G (NM_001330174.3); short protein forms K27E.
Identifiers: ClinVar variation 1897714 (VCV001897714.2), dbSNP rs1850369405, ClinGen allele CA378615692.